The following is an entry in ClinVar:

ClinVar aggregate classification (germline): Conflicting classifications of pathogenicity. Review status: criteria provided, conflicting classifications (1 of 4 stars). 2 submissions from 2 submitters: Uncertain significance (1); Likely benign (1). Last evaluated 2024-08-20.

gnomAD v4.1: 55 of 1,611,356 alleles (0.0034%); highest among the groups gnomAD compares: Admixed American, 0.0017%; no homozygotes.

Submissions (2):

GeneDx
Classification: Uncertain significance. Last evaluated: 2024-08-20. Review status: criteria provided, single submitter. Criteria: GeneDx Variant Classification Process June 2021. Collection method: clinical testing. Allele origin: germline. Affected: yes.
Comment: In silico analysis indicates that this missense variant does not alter protein structure/function; Has not been previously published as pathogenic or benign to our knowledge

Labcorp Genetics (formerly Invitae), Labcorp
Classification: Likely benign. Last evaluated: 2024-03-21. Review status: criteria provided, single submitter. Criteria: Invitae Variant Classification Sherloc (09022015). Collection method: clinical testing. Allele origin: germline.

NM_183357.3(ADCY5):c.754G>C (p.Val252Leu)

Gene: ADCY5 (adenylate cyclase 5; minus strand). Cytogenetic location: 3q21.1.
Variant type: single nucleotide variant.
Coding change: c.754G>C on transcript NM_183357.3 (MANE Select); coding-DNA position 754, G replaced by C.
Protein change: p.Val252Leu; replaces valine 252 with leucine.
Molecular consequence: missense variant.
Genome position (GRCh38, 1-based): chr3:123,447,792, C>G on the plus strand (G>C on the coding strand, the complement: ADCY5 is on the minus strand). VCF-style: chr3-123447792-C-G. GRCh37 (hg19) VCF-style: chr3-123166639-C-G.
Other names: c.754G>C, p.Val252Leu (NM_001378259.1); c.754G>C (NM_183357.2); short protein forms V252L.
Identifiers: ClinVar variation 3694215 (VCV003694215.3).